The following is an entry in ClinVar:

NM_001282597.3(CTNNA2):c.654A>G (p.Thr218=)

Gene: CTNNA2 (catenin alpha 2; plus strand). Cytogenetic location: 2p12.
Variant type: single nucleotide variant.
Coding change: c.654A>G on transcript NM_001282597.3 (MANE Select); coding-DNA position 654, A replaced by G.
Protein change: p.Thr218=; no amino-acid change (threonine 218 retained).
Molecular consequence: synonymous variant.
Genome position (GRCh38, 1-based): chr2:79,874,144, A>G. VCF-style: chr2-79874144-A-G. GRCh37 (hg19) VCF-style: chr2-80101270-A-G.
Other names: c.654A>G, p.Thr218= (NM_001164883.2, NM_001399737.1, NM_004389.4); c.756A>G, p.Thr252= (NM_001282598.2).
Identifiers: ClinVar variation 2651083 (VCV002651083.24), dbSNP rs776027310, ClinGen allele CA1735098.

ClinVar aggregate classification (germline): Likely benign (1 of 4 stars; one submission).

Allele frequency attached by ClinVar (database versions not stated): TOPMed 0.00002; gnomAD 0.00001.
gnomAD v4.1: 8 of 1,614,202 alleles (0.0005%); highest among the groups gnomAD compares: East Asian, 0.016%; no homozygotes.

Submission:

CeGaT Center for Human Genetics Tuebingen
Classification: Likely benign. Last evaluated: 2023-01-01. Review status: criteria provided, single submitter. Criteria: CeGaT Center For Human Genetics Tuebingen Variant Classification Criteria Version 2. Collection method: clinical testing. Allele origin: germline. Affected: yes. Observed: 1 variant allele.
Comment: CTNNA2: BP4, BP7